The following is an entry in ClinVar:

ClinVar aggregate classification (germline): Uncertain significance. Review status: criteria provided, multiple submitters, no conflicts (2 of 4 stars). 6 submissions from 4 submitters: Uncertain significance (6). Last evaluated 2024-11-01.

Conditions:
Inborn genetic diseases. Identifiers: MedGen C0950123, MeSH D030342.
Gilbert syndrome. Also called: HYPERBILIRUBINEMIA I; HYPERBILIRUBINEMIA, ARIAS TYPE; HYPERBILIRUBINEMIA, GILBERT TYPE; Gilbert's syndrome; Gilbert Disease. Identifiers: MedGen C0017551, MONDO:0007745, OMIM 143500.
Lucey-Driscoll syndrome (HBLRTFN). Also called: Transient familial neonatal hyperbilirubinemia. Identifiers: Orphanet 2312, MedGen C0270210, MONDO:0009383, OMIM 237900.
Crigler-Najjar syndrome. Identifiers: Orphanet 205, MedGen C5551003, MONDO:0009044.

Allele frequency attached by ClinVar (database versions not stated): ExAC 0.00002; gnomAD exomes 0.00003; gnomAD 0.00006 and 0.00007; ESP Exome Variant Server 0.00008; TOPMed 0.00008.
gnomAD v4.1: 129 of 1,613,862 alleles (0.008%); highest among the groups gnomAD compares: Non-Finnish European, 0.0092%; no homozygotes.

Submissions (6):

ARUP Laboratories, Molecular Genetics and Genomics, ARUP Laboratories
Classification: Uncertain significance. Last evaluated: 2024-11-01. Review status: criteria provided, single submitter. Criteria: ARUP Molecular Germline Variant Investigation Process 2024. Collection method: clinical testing. Allele origin: germline.
Comment: The UGT1A1 c.577G>A; p.Val193Met variant (rs375974892) is reported in the literature in an individual with unconjugated hyperbilirubinemia (Skierka 2013) but also in healthy cohorts (Seneviratne 2021, Tsai 2014). This variant is reported in ClinVar (Variation ID: 290430) and is found in the general population with an overall allele frequency of 0.003% (8/282,834 alleles) in the Genome Aggregation Database (v2.1.1). Computational analyses are uncertain whether this variant is neutral or deleterious (REVEL: 0.479). Due to limited information, the clinical significance of this variant is uncertain at this time. References: Seneviratne HK et al. Identification of Novel UGT1A1 Variants Including UGT1A1 454C>A through the Genotyping of Healthy Participants of the HPTN 077 Study. ACS Pharmacol Transl Sci. 2021 Jan 21;4(1):226-239. PMID: 33615175. Skierka JM et al. UGT1A1 genetic analysis as a diagnostic aid for individuals with unconjugated hyperbilirubinemia. J Pediatr. 2013 Jun;162(6):1146-52, 1152.e1-2. PMID: 23290513. Tsai SY et al. Comprehensive analysis of UGT1A1 polymorphisms through high-resolution melting analysis and DNA sequencing. Clin Lab. 2014;60(6):1015-26. PMID: 25016708.

Ambry Genetics
Classification: Uncertain significance for Inborn genetic diseases. Last evaluated: 2022-04-28. Review status: criteria provided, single submitter. Criteria: Ambry Variant Classification Scheme 2023. Collection method: clinical testing. Allele origin: germline.

Illumina Laboratory Services, Illumina
Classification: Uncertain significance for Gilbert syndrome. Last evaluated: 2017-04-27. Review status: criteria provided, single submitter. Criteria: ICSL Variant Classification Criteria 13 December 2019. Collection method: clinical testing. Allele origin: germline.

Illumina Laboratory Services, Illumina
Classification: Uncertain significance for Crigler-Najjar syndrome. Last evaluated: 2017-04-27. Review status: criteria provided, single submitter. Criteria: ICSL Variant Classification Criteria 13 December 2019. Collection method: clinical testing. Allele origin: germline.

Illumina Laboratory Services, Illumina
Classification: Uncertain significance for Lucey-Driscoll syndrome. Last evaluated: 2017-04-27. Review status: criteria provided, single submitter. Criteria: ICSL Variant Classification Criteria 13 December 2019. Collection method: clinical testing. Allele origin: germline.

Eurofins Ntd Llc (ga)
Classification: Uncertain significance. Last evaluated: 2016-08-16. Review status: criteria provided, single submitter. Criteria: EGL Classification Definitions 2015. Collection method: clinical testing. Allele origin: germline. Observed: 2 variant alleles, 2 heterozygotes.

Literature cited by the submitters: PubMed 23290513 (cited by Ambry Genetics).

NM_000463.3(UGT1A1):c.577G>A (p.Val193Met)

Genes: UGT1A1 (UDP glucuronosyltransferase family 1 member A1; plus strand), UGT1A7 (UDP glucuronosyltransferase family 1 member A7; plus strand), UGT1A6 (UDP glucuronosyltransferase family 1 member A6; plus strand), UGT1A5 (UDP glucuronosyltransferase family 1 member A5; plus strand), UGT1A10 (UDP glucuronosyltransferase family 1 member A10; plus strand) and 5 more. Cytogenetic location: 2q37.1.
Variant type: single nucleotide variant.
Coding change: c.577G>A on transcript NM_000463.3 (MANE Select); coding-DNA position 577, G replaced by A.
Protein change: p.Val193Met; replaces valine 193 with methionine.
Molecular consequence: missense variant. On other transcripts: intron variant (9).
Genome position (GRCh38, 1-based): chr2:233,760,864, G>A. VCF-style: chr2-233760864-G-A. GRCh37 (hg19) VCF-style: chr2-234669510-G-A.
Other names: c.856-6170G>A (NM_019076.5, NM_019075.4, NM_021027.3 and 1 more transcripts); c.61-6170G>A (NM_205862.3); c.862-6170G>A (NM_001072.4); c.868-6170G>A (NM_019078.2, NM_007120.3, NM_019093.4); short protein forms V193M.
Identifiers: ClinVar variation 290430 (VCV000290430.12), dbSNP rs375974892, ClinGen allele CA2179847.